The following is an entry in ClinVar:

NM_000361.3(THBD):c.814G>C (p.Ala272Pro)

Gene: THBD (thrombomodulin; minus strand). Cytogenetic location: 20p11.21.
Variant type: single nucleotide variant.
Coding change: c.814G>C on transcript NM_000361.3 (MANE Select); coding-DNA position 814, G replaced by C.
Protein change: p.Ala272Pro; replaces alanine 272 with proline.
Molecular consequence: missense variant.
Genome position (GRCh38, 1-based): chr20:23,048,691, C>G on the plus strand (G>C on the coding strand, the complement: THBD is on the minus strand). VCF-style: chr20-23048691-C-G. GRCh37 (hg19) VCF-style: chr20-23029328-C-G.
Other names: short protein forms A272P.
Identifiers: ClinVar variation 3700452 (VCV003700452.2).

ClinVar aggregate classification (germline): Uncertain significance (1 of 4 stars; one submission).

Submission:

Labcorp Genetics (formerly Invitae), Labcorp
Classification: Uncertain significance. Last evaluated: 2024-05-26. Review status: criteria provided, single submitter. Criteria: Invitae Variant Classification Sherloc (09022015). Collection method: clinical testing. Allele origin: germline.
Comment: This sequence change replaces alanine, which is neutral and non-polar, with proline, which is neutral and non-polar, at codon 272 of the THBD protein (p.Ala272Pro). This variant is not present in population databases (gnomAD no frequency). This variant has not been reported in the literature in individuals affected with THBD-related conditions. Advanced modeling of protein sequence and biophysical properties (such as structural, functional, and spatial information, amino acid conservation, physicochemical variation, residue mobility, and thermodynamic stability) performed at Invitae indicates that this missense variant is not expected to disrupt THBD protein function with a negative predictive value of 80%. In summary, the available evidence is currently insufficient to determine the role of this variant in disease. Therefore, it has been classified as a Variant of Uncertain Significance.